The following is an entry in ClinVar:

ClinVar aggregate classification (germline): Uncertain significance. Review status: criteria provided, single submitter (1 of 4 stars). 2 submissions from 2 submitters: Uncertain significance (1). 1 of the submissions does not count toward it. Last evaluated 2021-09-07.

Conditions:
Familial long QT syndrome (RWS). Also called: Congenital long QT syndrome; Romano-Ward syndrome; VENTRICULAR FIBRILLATION WITH PROLONGED QT INTERVAL. Identifiers: Orphanet 768, MedGen C1141890, MONDO:0019171.
Long QT syndrome (LQTS). Identifiers: MedGen C0023976, MeSH D008133, MONDO:0002442. Disease mechanism: loss of function. Inheritance: Various modes of inheritance.

Submissions (2):

Labcorp Genetics (formerly Invitae), Labcorp
Classification: Uncertain significance for Long QT syndrome. Last evaluated: 2021-09-07. Review status: criteria provided, single submitter. Criteria: Invitae Variant Classification Sherloc (09022015). Collection method: clinical testing. Allele origin: germline.

Cardiovascular Biomedical Research Unit, Royal Brompton & Harefield NHS Foundation Trust
No classification provided. Condition: Familial long QT syndrome. Review status: no classification provided. Collection method: literature only. Allele origin: germline. Not counted in ClinVar's aggregate classification.
Comment: This variant has been reported as associated with Long QT syndrome in the following publications (PMID:19716085). This is a literature report, and does not necessarily reflect the clinical interpretation of the Imperial College / Royal Brompton Cardiovascular Genetics laboratory.

Literature cited by the submitters: PubMed 19716085 (cited by Cardiovascular Biomedical Research Unit, Royal Brompton & Harefield NHS Foundation Trust); PubMed 22581653 (cited by Cardiovascular Biomedical Research Unit, Royal Brompton & Harefield NHS Foundation Trust).

NM_000218.3(KCNQ1):c.1712C>T (p.Ser571Leu)

Gene: KCNQ1 (potassium voltage-gated channel subfamily Q member 1; plus strand). Cytogenetic location: 11p15.5.
Variant type: single nucleotide variant.
Coding change: c.1712C>T on transcript NM_000218.3 (MANE Select); coding-DNA position 1712, C replaced by T.
Protein change: p.Ser571Leu; replaces serine 571 with leucine.
Molecular consequence: missense variant.
Genome position (GRCh38, 1-based): chr11:2,777,012, C>T. VCF-style: chr11-2777012-C-T. GRCh37 (hg19) VCF-style: chr11-2798242-C-T.
Other names: c.1712C>T (LRG_287t1); c.1616C>T, p.Ser539Leu (NM_001406836.1); c.1442C>T, p.Ser481Leu (NM_001406837.1); c.1172C>T, p.Ser391Leu (NM_001406838.1); c.1331C>T, p.Ser444Leu (NM_181798.2); short protein forms S571L, S444L, S539L, S481L, S391L.
Identifiers: ClinVar variation 67052 (VCV000067052.4), dbSNP rs199472809, ClinGen allele CA006272.